The following is an entry in ClinVar:

ClinVar aggregate classification (germline): Uncertain significance (1 of 4 stars; one submission).

Submission:

Ambry Genetics
Classification: Uncertain significance. Last evaluated: 2025-02-16. Review status: criteria provided, single submitter. Criteria: Ambry Variant Classification Scheme 2023. Collection method: clinical testing. Allele origin: germline.
Comment: The p.Q227K variant (also known as c.679C>A), located in coding exon 5 of the GEN1 gene, results from a C to A substitution at nucleotide position 679. The glutamine at codon 227 is replaced by lysine, an amino acid with similar properties. This amino acid position is conserved. In addition, this alteration is predicted to be tolerated by in silico analysis. Based on the available evidence, the clinical significance of this variant remains unclear.

NM_001130009.3(GEN1):c.679C>A (p.Gln227Lys)

Gene: GEN1 (GEN1 Holliday junction 5' flap endonuclease; plus strand). Cytogenetic location: 2p24.2.
Variant type: single nucleotide variant.
Coding change: c.679C>A on transcript NM_001130009.3 (MANE Select); coding-DNA position 679, C replaced by A.
Protein change: p.Gln227Lys; replaces glutamine 227 with lysine.
Molecular consequence: missense variant.
Genome position (GRCh38, 1-based): chr2:17,768,780, C>A. VCF-style: chr2-17768780-C-A. GRCh37 (hg19) VCF-style: chr2-17950047-C-A.
Other names: c.679C>A, p.Gln227Lys (NM_182625.5); short protein forms Q227K.
Identifiers: ClinVar variation 3853578 (VCV003853578.1).